The following is an entry in ClinVar:

NM_030957.4(ADAMTS10):c.621G>A (p.Trp207Ter)

Gene: ADAMTS10 (ADAM metallopeptidase with thrombospondin type 1 motif 10; minus strand). Cytogenetic location: 19p13.2.
Variant type: single nucleotide variant.
Coding change: c.621G>A on transcript NM_030957.4 (MANE Select); coding-DNA position 621, G replaced by A.
Protein change: p.Trp207Ter; replaces tryptophan 207 with a stop codon.
Molecular consequence: nonsense.
Genome position (GRCh38, 1-based): chr19:8,601,117, C>T on the plus strand (G>A on the coding strand, the complement: ADAMTS10 is on the minus strand). VCF-style: chr19-8601117-C-T. GRCh37 (hg19) VCF-style: chr19-8666001-C-T.
Other names: short protein forms W207*.
Identifiers: ClinVar variation 1949579 (VCV001949579.5), dbSNP rs2512640171, ClinGen allele CA403756826.

ClinVar aggregate classification (germline): Pathogenic (1 of 4 stars; one submission).

Submission:

Labcorp Genetics (formerly Invitae), Labcorp
Classification: Pathogenic. Last evaluated: 2022-08-16. Review status: criteria provided, single submitter. Criteria: Invitae Variant Classification Sherloc (09022015). Collection method: clinical testing. Allele origin: germline.
Comment: This sequence change creates a premature translational stop signal (p.Trp207*) in the ADAMTS10 gene. It is expected to result in an absent or disrupted protein product. Loss-of-function variants in ADAMTS10 are known to be pathogenic (PMID: 15368195, 18567016). This variant is not present in population databases (gnomAD no frequency). This variant has not been reported in the literature in individuals affected with ADAMTS10-related conditions. For these reasons, this variant has been classified as Pathogenic.

Literature cited by the submitters: PubMed 15368195; PubMed 18567016.